The following is an entry in ClinVar:

ClinVar aggregate classification (germline): Uncertain significance (1 of 4 stars; one submission).

Conditions:
COG5-congenital disorder of glycosylation. Also called: CDG IIi; CONGENITAL DISORDER OF GLYCOSYLATION, TYPE IIi; COG5-CDG. Identifiers: Orphanet 263487, MedGen C3150876, MONDO:0013325, OMIM 613612.

gnomAD v4.1: 1 of 1,613,876 alleles (0.000062%); highest among the groups gnomAD compares: South Asian, 0.0011%; no homozygotes.

Submission:

Labcorp Genetics (formerly Invitae), Labcorp
Classification: Uncertain significance for COG5-congenital disorder of glycosylation. Last evaluated: 2025-10-10. Review status: criteria provided, single submitter. Criteria: Invitae Variant Classification Sherloc (09022015). Collection method: clinical testing. Allele origin: germline.
Comment: This sequence change replaces alanine, which is neutral and non-polar, with valine, which is neutral and non-polar, at codon 328 of the COG5 protein (p.Ala328Val). This variant is not present in population databases (gnomAD no frequency). This variant has not been reported in the literature in individuals affected with COG5-related conditions. Invitae Evidence Modeling of protein sequence and biophysical properties (such as structural, functional, and spatial information, amino acid conservation, physicochemical variation, residue mobility, and thermodynamic stability) indicates that this missense variant is not expected to disrupt COG5 protein function with a negative predictive value of 80%. In summary, the available evidence is currently insufficient to determine the role of this variant in disease. Therefore, it has been classified as a Variant of Uncertain Significance.

NM_006348.5(COG5):c.890C>T (p.Ala297Val)

Gene: COG5 (component of oligomeric golgi complex 5; minus strand). Cytogenetic location: 7q22.3.
Variant type: single nucleotide variant.
Coding change: c.890C>T on transcript NM_006348.5 (MANE Select); coding-DNA position 890, C replaced by T.
Protein change: p.Ala297Val; replaces alanine 297 with valine.
Molecular consequence: missense variant. On other transcripts: intron variant (2).
Genome position (GRCh38, 1-based): chr7:107,362,366, G>A on the plus strand (C>T on the coding strand, the complement: COG5 is on the minus strand). VCF-style: chr7-107362366-G-A. GRCh37 (hg19) VCF-style: chr7-107002811-G-A.
Other names: c.235-256C>T (NM_001379516.1); c.539-64020C>T (NM_001379515.1); c.890C>T, p.Ala297Val (NM_001161520.2, NM_001379511.1, NM_001379512.1 and 3 more transcripts); short protein forms A297V.
Identifiers: ClinVar variation 4732208 (VCV004732208.1).